The following is an entry in ClinVar:

ClinVar aggregate classification (germline): Pathogenic (1 of 4 stars; one submission).

Conditions:
Finnish congenital nephrotic syndrome (NPHS1). Also called: NEPHROTIC SYNDROME, TYPE 1. Identifiers: Orphanet 839, MedGen C0403399, MONDO:0009732, OMIM 256300.

Submission:

Myriad Genetics, Inc.
Classification: Pathogenic for Finnish congenital nephrotic syndrome. Last evaluated: 2023-09-27. Review status: criteria provided, single submitter. Criteria: Myriad Autosomal Dominant, Autosomal Recessive and X-Linked Classification Criteria (2023). Collection method: clinical testing. Allele origin: unknown.
Comment: NM_004646.3(NPHS1):c.1464dupG(R489Afs*59) is expected to be pathogenic in the context of nephrotic syndrome, NPHS1-related. This variant is predicted to lead to an abnormal or absent protein product due to the creation of a premature termination codon in NPHS1, a gene where loss-of-function variants are known to be pathogenic. Please note: this variant was assessed in the context of healthy population screening.

NM_004646.4(NPHS1):c.1464dup (p.Arg489fs)

Gene: NPHS1 (NPHS1 adhesion molecule, nephrin; minus strand). Cytogenetic location: 19q13.12.
Variant type: Duplication.
Coding change: c.1464dup on transcript NM_004646.4 (MANE Select); coding-DNA position 1464, one base duplicated (G; older notation c.1464dupG).
Protein change: p.Arg489fs; shifts the reading frame from arginine 489.
Molecular consequence: frameshift variant.
Genome position (GRCh38, 1-based): chr19:35,846,171, C duplicated on the plus strand (G on the coding strand, the reverse complement: NPHS1 is on the minus strand). VCF-style (leftmost placement, unchanged base first): chr19-35846170-G-GC. GRCh37 (hg19) VCF-style: chr19-36337072-G-GC.
Other names: short protein forms R489fs.
Identifiers: ClinVar variation 5012195 (VCV005012195.1).